The following is an entry in ClinVar:

ClinVar aggregate classification (germline): Uncertain significance (1 of 4 stars; one submission).

Allele frequency attached by ClinVar (database versions not stated): gnomAD exomes below 0.00001; TOPMed 0.00001.
gnomAD v4.1: 1 of 1,611,998 alleles (0.000062%); highest among the groups gnomAD compares: Non-Finnish European, 0.000085%; no homozygotes.

Submission:

Labcorp Genetics (formerly Invitae), Labcorp
Classification: Uncertain significance. Last evaluated: 2019-09-26. Review status: criteria provided, single submitter. Criteria: Invitae Variant Classification Sherloc (09022015). Collection method: clinical testing. Allele origin: germline.
Comment: In summary, the available evidence is currently insufficient to determine the role of this variant in disease. Therefore, it has been classified as a Variant of Uncertain Significance. Algorithms developed to predict the effect of missense changes on protein structure and function are either unavailable or do not agree on the potential impact of this missense change (SIFT: "Deleterious"; PolyPhen-2: "Probably Damaging"; Align-GVGD: "Class C0"). This variant has not been reported in the literature in individuals with CFAP410-related conditions. This variant is not present in population databases (ExAC no frequency). This sequence change replaces tryptophan with arginine at codon 93 of the CFAP410 protein (p.Trp93Arg). The tryptophan residue is highly conserved and there is a moderate physicochemical difference between tryptophan and arginine.

NM_004928.3(CFAP410):c.277T>C (p.Trp93Arg)

Gene: CFAP410 (cilia and flagella associated protein 410; minus strand). Cytogenetic location: 21q22.3.
Variant type: single nucleotide variant.
Coding change: c.277T>C on transcript NM_004928.3 (MANE Select); coding-DNA position 277, T replaced by C.
Protein change: p.Trp93Arg; replaces tryptophan 93 with arginine.
Molecular consequence: missense variant.
Genome position (GRCh38, 1-based): chr21:44,333,129, A>G on the plus strand (T>C on the coding strand, the complement: CFAP410 is on the minus strand). VCF-style: chr21-44333129-A-G. GRCh37 (hg19) VCF-style: chr21-45753012-A-G.
Other names: c.277T>C, p.Trp93Arg (NM_001271440.2, NM_001271441.2); c.154T>C, p.Trp52Arg (NM_001271442.1); short protein forms W52R, W93R.
Identifiers: ClinVar variation 942624 (VCV000942624.8), dbSNP rs1227007389, ClinGen allele CA410456765.
Genomic context (GRCh38, chr21:44,333,129, plus strand): 5'-GCAGCACGGTCATGCGGTAGCGGTGGGGGCTGGTGCCGCAGCACGGGTTCTCGGCCAGCC[A>G]CAGCACCCGCAGACGCGGCAGCCCCTTCAGGTAGAAGAGCTCAGCCAGGCTGGGGATGCG-3'
Protein context (NP_004919.1, residues 83-103): LKGLPRLRVL[Trp93Arg]LAENPCCGTS